The following is an entry in ClinVar:

NM_002875.5(RAD51):c.227C>G (p.Ala76Gly)

Gene: RAD51 (RAD51 recombinase; plus strand). Cytogenetic location: 15q15.1.
Variant type: single nucleotide variant.
Coding change: c.227C>G on transcript NM_002875.5 (MANE Select); coding-DNA position 227, C replaced by G.
Protein change: p.Ala76Gly; replaces alanine 76 with glycine.
Molecular consequence: missense variant. On other transcripts: intron variant (2).
Genome position (GRCh38, 1-based): chr15:40,706,178, C>G. VCF-style: chr15-40706178-C-G. GRCh37 (hg19) VCF-style: chr15-40998376-C-G.
Other names: c.227C>G, p.Ala76Gly (NM_001164270.2); c.347-2847C>G (NM_133487.4, NM_001164269.2); short protein forms A76G.
Identifiers: ClinVar variation 1788908 (VCV001788908.2), dbSNP rs2504436241, ClinGen allele CA391749248.
Genomic context (GRCh38, chr15:40,706,178, plus strand): 5'-CAAGATCACTGTGGTAAGGAATATTATTTTGTTGATTTAATATTTCTTATTTTTCCCAGG[C>G]TGAGGCAGCTAAATTAGTTCCAATGGGTTTCACCACTGCAACTGAATTCCACCAAAGGCG-3'
Protein context (NP_002866.2, residues 66-86): ISEAKADKIL[Ala76Gly]EAAKLVPMGF

ClinVar aggregate classification (germline): Uncertain significance (1 of 4 stars; one submission).

Conditions:
Inborn genetic diseases. Identifiers: MedGen C0950123, MeSH D030342.

Submission:

Ambry Genetics
Classification: Uncertain significance for Inborn genetic diseases. Last evaluated: 2021-12-25. Review status: criteria provided, single submitter. Criteria: Ambry Variant Classification Scheme 2023. Collection method: clinical testing. Allele origin: germline.
Comment: The p.A76G variant (also known as c.227C>G), located in coding exon 3 of the RAD51 gene, results from a C to G substitution at nucleotide position 227. The alanine at codon 76 is replaced by glycine, an amino acid with similar properties. This amino acid position is conserved. In addition, this alteration is predicted to be tolerated by in silico analysis. Since supporting evidence is limited at this time, the clinical significance of this alteration remains unclear.